The following is an entry in ClinVar:

NM_033087.4(ALG2):c.629C>G (p.Ser210Ter)

Gene: ALG2 (ALG2 alpha-1,3/1,6-mannosyltransferase; minus strand). Cytogenetic location: 9q22.33.
Variant type: single nucleotide variant.
Coding change: c.629C>G on transcript NM_033087.4 (MANE Select); coding-DNA position 629, C replaced by G.
Protein change: p.Ser210Ter; replaces serine 210 with a stop codon.
Molecular consequence: nonsense. On other transcripts: non-coding transcript variant (1).
Genome position (GRCh38, 1-based): chr9:99,218,556, G>C on the plus strand (C>G on the coding strand, the complement: ALG2 is on the minus strand). VCF-style: chr9-99218556-G-C. GRCh37 (hg19) VCF-style: chr9-101980838-G-C.
Other names: short protein forms S210*.
Identifiers: ClinVar variation 934052 (VCV000934052.6), dbSNP rs139547697, ClinGen allele CA5156282.

ClinVar aggregate classification (germline): Uncertain significance (1 of 4 stars; one submission).

Conditions:
Congenital myasthenic syndrome 14. Also called: Myasthenic syndrome, congenital, 14, with tubular aggregates. Identifiers: Orphanet 353327, Orphanet 590, MedGen C4015597, MONDO:0014543, OMIM 616228.
Congenital disorder of glycosylation, type Ii. Also called: CDG Ii; ALG2-congenital disorder of glycosylation; ALG2-CDG. Identifiers: Orphanet 79326, MedGen C1842836, MONDO:0011933, OMIM 607906.

Allele frequency attached by ClinVar (database versions not stated): gnomAD exomes below 0.00001; ExAC 0.00001; gnomAD 0.00001; ESP Exome Variant Server 0.00008.
gnomAD v4.1: 3 of 1,614,084 alleles (0.00019%); highest among the groups gnomAD compares: African/African-American, 0.0027%; no homozygotes.

Submission:

Labcorp Genetics (formerly Invitae), Labcorp
Classification: Uncertain significance for Congenital disorder of glycosylation, type Ii; Congenital myasthenic syndrome 14. Last evaluated: 2022-07-11. Review status: criteria provided, single submitter. Criteria: Invitae Variant Classification Sherloc (09022015). Collection method: clinical testing. Allele origin: germline.
Comment: Experimental studies and prediction algorithms are not available or were not evaluated, and the functional significance of this variant is currently unknown. This sequence change creates a premature translational stop signal (p.Ser210*) in the ALG2 gene. While this is not anticipated to result in nonsense mediated decay, it is expected to disrupt the last 207 amino acid(s) of the ALG2 protein. This variant is present in population databases (rs139547697, gnomAD 0.02%). This variant has not been reported in the literature in individuals affected with ALG2-related conditions. ClinVar contains an entry for this variant (Variation ID: 934052). In summary, the available evidence is currently insufficient to determine the role of this variant in disease. Therefore, it has been classified as a Variant of Uncertain Significance.